The following is an entry in ClinVar:

ClinVar aggregate classification (germline): Uncertain significance. Review status: criteria provided, multiple submitters, no conflicts (2 of 4 stars). 2 submissions from 2 submitters: Uncertain significance (2). Last evaluated 2025-01-13.

Conditions:
Multiple endocrine neoplasia, type 2 (MEN2). Identifiers: Orphanet 653, MedGen C4048306, MONDO:0019003. Disease mechanism: gain of function.
Hereditary cancer-predisposing syndrome. Also called: Tumor predisposition; Hereditary Cancer Syndrome; Hereditary neoplastic syndrome; Neoplastic Syndromes, Hereditary. Identifiers: Orphanet 140162, MedGen C0027672, MeSH D009386, MONDO:0015356.

Submissions (2):

Labcorp Genetics (formerly Invitae), Labcorp
Classification: Uncertain significance for Multiple endocrine neoplasia, type 2. Last evaluated: 2025-01-13. Review status: criteria provided, single submitter. Criteria: Invitae Variant Classification Sherloc (09022015). Collection method: clinical testing. Allele origin: germline.
Comment: This sequence change replaces arginine, which is basic and polar, with cysteine, which is neutral and slightly polar, at codon 820 of the RET protein (p.Arg820Cys). This variant is not present in population databases (gnomAD no frequency). This variant has not been reported in the literature in individuals affected with RET-related conditions. ClinVar contains an entry for this variant (Variation ID: 1965277). An algorithm developed to predict the effect of missense changes on protein structure and function (PolyPhen-2) suggests that this variant is likely to be disruptive. In summary, the available evidence is currently insufficient to determine the role of this variant in disease. Therefore, it has been classified as a Variant of Uncertain Significance.

Ambry Genetics
Classification: Uncertain significance for Hereditary cancer-predisposing syndrome. Last evaluated: 2024-09-10. Review status: criteria provided, single submitter. Criteria: Ambry Variant Classification Scheme 2023. Collection method: clinical testing. Allele origin: germline.
Comment: The p.R820C variant (also known as c.2458C>T), located in coding exon 14 of the RET gene, results from a C to T substitution at nucleotide position 2458. The arginine at codon 820 is replaced by cysteine, an amino acid with highly dissimilar properties. This amino acid position is highly conserved in available vertebrate species. In addition, this alteration is predicted to be deleterious by in silico analysis. Based on the available evidence, the clinical significance of this variant remains unclear.

NM_020975.6(RET):c.2458C>T (p.Arg820Cys)

Gene: RET (ret proto-oncogene; plus strand). Cytogenetic location: 10q11.21.
Variant type: single nucleotide variant.
Coding change: c.2458C>T on transcript NM_020975.6 (MANE Select); coding-DNA position 2458, C replaced by T.
Protein change: p.Arg820Cys; replaces arginine 820 with cysteine.
Molecular consequence: missense variant.
Genome position (GRCh38, 1-based): chr10:43,119,596, C>T. VCF-style: chr10-43119596-C-T. GRCh37 (hg19) VCF-style: chr10-43615044-C-T.
Other names: c.2458C>T, p.Arg820Cys (NM_000323.2, NM_001406743.1, NM_001406744.1 and 4 more transcripts); c.1696C>T, p.Arg566Cys (NM_001355216.2); c.2329C>T, p.Arg777Cys (NM_001406761.1, NM_001406762.1, NM_001406764.1); c.2323C>T, p.Arg775Cys (NM_001406763.1, NM_001406765.1); c.2170C>T, p.Arg724Cys (NM_001406766.1, NM_001406767.1, NM_001406770.1); c.2194C>T, p.Arg732Cys (NM_001406768.1); c.2062C>T, p.Arg688Cys (NM_001406769.1, NM_001406772.1); c.2020C>T, p.Arg674Cys (NM_001406771.1, NM_001406773.1); and 10 more; short protein forms R645C, R775C, R337C, R425C, R478C, R481C, R521C, R674C.
Identifiers: ClinVar variation 1965277 (VCV001965277.6), dbSNP rs2132944925, ClinGen allele CA376556250.